The following is an entry in ClinVar:

NM_001195553.2(DCX):c.627A>C (p.Gln209His)

Gene: DCX (doublecortin; minus strand). Cytogenetic location: Xq23.
Variant type: single nucleotide variant.
Coding change: c.627A>C on transcript NM_001195553.2 (MANE Select); coding-DNA position 627, A replaced by C.
Protein change: p.Gln209His; replaces glutamine 209 with histidine.
Molecular consequence: missense variant.
Genome position (GRCh38, 1-based): chrX:111,401,068, T>G on the plus strand (A>C on the coding strand, the complement: DCX is on the minus strand). VCF-style: chrX-111401068-T-G. GRCh37 (hg19) VCF-style: chrX-110644296-T-G.
Other names: c.627A>C, p.Gln209His (NM_001369372.1, NM_001369373.1, NM_001369374.1 and 6 more transcripts); c.870A>C, p.Gln290His (NM_000555.3); short protein forms Q209H, Q290H.
Identifiers: ClinVar variation 2698512 (VCV002698512.3), dbSNP rs2524835008, ClinGen allele CA414245963.

ClinVar aggregate classification (germline): Uncertain significance (1 of 4 stars; one submission).

Submission:

Labcorp Genetics (formerly Invitae), Labcorp
Classification: Uncertain significance. Last evaluated: 2024-03-21. Review status: criteria provided, single submitter. Criteria: Invitae Variant Classification Sherloc (09022015). Collection method: clinical testing. Allele origin: germline.
Comment: This sequence change replaces glutamine, which is neutral and polar, with histidine, which is basic and polar, at codon 209 of the DCX protein (p.Gln209His). This variant is not present in population databases (gnomAD no frequency). This variant has not been reported in the literature in individuals affected with DCX-related conditions. Advanced modeling of protein sequence and biophysical properties (such as structural, functional, and spatial information, amino acid conservation, physicochemical variation, residue mobility, and thermodynamic stability) performed at Invitae indicates that this missense variant is not expected to disrupt DCX protein function with a negative predictive value of 80%. In summary, the available evidence is currently insufficient to determine the role of this variant in disease. Therefore, it has been classified as a Variant of Uncertain Significance.